The following is an entry in ClinVar:

NM_001161352.2(KCNMA1):c.*634C>G

Gene: KCNMA1 (potassium calcium-activated channel subfamily M alpha 1; minus strand). Cytogenetic location: 10q22.3.
Variant type: single nucleotide variant.
Coding change: c.*634C>G on transcript NM_001161352.2 (MANE Select); 634 bases downstream of the stop codon, C replaced by G.
Molecular consequence: 3 prime UTR variant. On other transcripts: intron variant (7).
Genome position (GRCh38, 1-based): chr10:76,886,632, G>C on the plus strand (C>G on the coding strand, the complement: KCNMA1 is on the minus strand). VCF-style: chr10-76886632-G-C. GRCh37 (hg19) VCF-style: chr10-78646390-G-C.
Other names: c.*634C>G (NM_001161353.2, NM_001271519.2, NM_001322836.2 and 2 more transcripts); c.3362+659C>G (NM_001271518.2); c.3512+659C>G (NM_001322832.2); c.3521+659C>G (NM_001322829.2); c.3524+659C>G (NM_001014797.3); c.3605+659C>G (NM_001322835.2); c.3614+659C>G (NM_001322830.2); c.3059+659C>G (NM_001322838.2).
Identifiers: ClinVar variation 300946 (VCV000300946.5), dbSNP rs74139846, ClinGen allele CA10629121.

ClinVar aggregate classification (germline): Likely benign (1 of 4 stars; one submission).

Conditions:
Generalized epilepsy-paroxysmal dyskinesia syndrome (PNKD3). Also called: Paroxysmal nonkinesigenic dyskinesia, 3, with or without generalized epilepsy; Generalized epilepsy and paroxysmal dyskinesia. Identifiers: Orphanet 79137, MedGen C5574945, MONDO:0012276, OMIM 609446.

Allele frequency attached by ClinVar (database versions not stated): gnomAD exomes 0.00070; 1000 Genomes Project 0.00619; 1000 Genomes Project 30x 0.00625; gnomAD 0.00691 and 0.00747; TOPMed 0.00764.
gnomAD v4.1: 1,639 of 991,380 alleles (0.17%); highest among the groups gnomAD compares: African/African-American, 2.4%; 14 homozygotes.

Submission:

Illumina Laboratory Services, Illumina
Classification: Likely benign for Generalized epilepsy-paroxysmal dyskinesia syndrome. Last evaluated: 2017-04-27. Review status: criteria provided, single submitter. Criteria: ICSL Variant Classification Criteria 13 December 2019. Collection method: clinical testing. Allele origin: germline.
Comment: This variant was observed as part of a predisposition screen in an ostensibly healthy population. A literature search was performed for the gene, cDNA change, and amino acid change (where applicable). No publications were found based on this search. Allele frequency data from public databases allowed determination this variant is unlikely to cause disease. Therefore, this variant is classified as likely benign.